The following is an entry in ClinVar:

ClinVar aggregate classification (germline): Benign/Likely benign. Review status: criteria provided, multiple submitters, no conflicts (2 of 4 stars). 4 submissions from 4 submitters: Benign (1); Likely benign (2). 1 of the submissions does not count toward it. Last evaluated 2026-01-19.

Conditions:
Argininosuccinate lyase deficiency. Also called: ARGININOSUCCINIC ACID LYASE DEFICIENCY; ASL DEFICIENCY; Argininosuccinic aciduria. Identifiers: Orphanet 23, MedGen C0268547, MONDO:0008815, OMIM 207900, HP:0025630.

Allele frequency attached by ClinVar (database versions not stated): gnomAD 0.00011 and 0.00017; gnomAD exomes 0.00013 and 0.00055; TOPMed 0.00036; ExAC 0.00042; 1000 Genomes Project 0.00060; 1000 Genomes Project 30x 0.00062.
gnomAD v4.1: 216 of 1,613,894 alleles (0.013%); highest among the groups gnomAD compares: East Asian, 0.43%; 1 homozygote.

Submissions (4):

Labcorp Genetics (formerly Invitae), Labcorp
Classification: Benign for Argininosuccinate lyase deficiency. Last evaluated: 2026-01-19. Review status: criteria provided, single submitter. Criteria: Invitae Variant Classification Sherloc (09022015). Collection method: clinical testing. Allele origin: germline.

Blueprint Genetics
Classification: Likely benign. Last evaluated: 2024-11-07. Review status: criteria provided, single submitter. Criteria: ACMG Guidelines, 2015. Collection method: clinical testing. Allele origin: germline.

Illumina Laboratory Services, Illumina
Classification: Likely benign for Argininosuccinate lyase deficiency. Last evaluated: 2018-01-13. Review status: criteria provided, single submitter. Criteria: ICSL Variant Classification Criteria 13 December 2019. Collection method: clinical testing. Allele origin: germline.
Comment: This variant was observed in the ICSL laboratory as part of a predisposition screen in an ostensibly healthy population. It had not been previously curated by ICSL or reported in the Human Gene Mutation Database (HGMD: prior to June 1st, 2018), and was therefore a candidate for classification through an automated scoring system. Utilizing variant allele frequency, disease prevalence and penetrance estimates, and inheritance mode, an automated score was calculated to assess if this variant is too frequent to cause the disease. Based on the score and internal cut-off values, a variant classified as likely benign is not then subjected to further curation. The score for this variant resulted in a classification of likely benign for this disease.

Natera, Inc.
Classification: Benign for Argininosuccinate lyase deficiency. Last evaluated: 2020-09-16. Review status: no assertion criteria provided. Collection method: clinical testing. Allele origin: germline. Not counted in ClinVar's aggregate classification.

NM_000048.4(ASL):c.1278C>T (p.Cys426=)

Gene: ASL (argininosuccinate lyase; plus strand). Cytogenetic location: 7q11.21.
Variant type: single nucleotide variant.
Coding change: c.1278C>T on transcript NM_000048.4 (MANE Select); coding-DNA position 1278, C replaced by T.
Protein change: p.Cys426=; no amino-acid change (cysteine 426 retained).
Molecular consequence: synonymous variant.
Genome position (GRCh38, 1-based): chr7:66,092,795, C>T. VCF-style: chr7-66092795-C-T. GRCh37 (hg19) VCF-style: chr7-65557782-C-T.
Other names: c.1278C>T, p.Cys426= (NM_001024943.2); c.1218C>T, p.Cys406= (NM_001024944.2); c.1200C>T, p.Cys400= (NM_001024946.2).
Identifiers: ClinVar variation 360570 (VCV000360570.17), dbSNP rs140770112, ClinGen allele CA4277374.
Genomic context (GRCh38, chr7:66,092,795, plus strand): 5'-GGCGCCCTGGCCCACCTCTTCCTCTCTCCCCAGCCCCCTGTTCTCGGGCGACGTGATCTG[C>T]GTGTGGGACTACGGGCACAGTGTGGAGCAGTATGGTGCCCTGGGCGGCACTGCGCGCTCC-3'
Protein context (NP_000039.2, residues 416-436): ISPLFSGDVI[Cys426=]VWDYGHSVEQ